The following is an entry in ClinVar:

NM_000059.4(BRCA2):c.1613G>T (p.Ser538Ile)

Gene: BRCA2 (BRCA2 DNA repair associated; plus strand). Cytogenetic location: 13q13.1.
Variant type: single nucleotide variant.
Coding change: c.1613G>T on transcript NM_000059.4 (MANE Select); coding-DNA position 1613, G replaced by T.
Protein change: p.Ser538Ile; replaces serine 538 with isoleucine.
Molecular consequence: missense variant. On other transcripts: non-coding transcript variant (1), intron variant (1).
Genome position (GRCh38, 1-based): chr13:32,333,091, G>T. VCF-style: chr13-32333091-G-T. GRCh37 (hg19) VCF-style: chr13-32907228-G-T.
Other names: c.1613G>T, p.Ser538Ile (NM_001406719.1, NM_001406720.1, NM_001406721.1); c.424+2061G>T (NM_001406722.1); short protein forms S538I.
Identifiers: ClinVar variation 2695399 (VCV002695399.4), dbSNP rs994146384, ClinGen allele CA387764880.

ClinVar aggregate classification (germline): Uncertain significance. Review status: criteria provided, multiple submitters, no conflicts (2 of 4 stars). 2 submissions from 2 submitters: Uncertain significance (2). Last evaluated 2024-10-19.

Conditions:
Hereditary breast ovarian cancer syndrome. Also called: BRCA1- and BRCA2-Associated Hereditary Breast and Ovarian Cancer; Hereditary breast and ovarian cancer; Hereditary breast and ovarian cancer syndrome (HBOC); Hereditary breast and ovarian cancer syndrome; Hereditary breast and/or ovarian cancer syndrome; Breast and ovarian cancer. Identifiers: Orphanet 145, MedGen C0677776, MeSH D061325, MONDO:0003582. Disease mechanism: loss of function.
Hereditary cancer-predisposing syndrome. Also called: Neoplastic Syndromes, Hereditary; Tumor predisposition; Hereditary neoplastic syndrome; Hereditary Cancer Syndrome. Identifiers: Orphanet 140162, MedGen C0027672, MeSH D009386, MONDO:0015356.

Allele frequency attached by ClinVar (database versions not stated): gnomAD 0.00001.

Submissions (2):

Ambry Genetics
Classification: Uncertain significance for Hereditary cancer-predisposing syndrome. Last evaluated: 2024-10-19. Review status: criteria provided, single submitter. Criteria: Ambry Variant Classification Scheme 2023. Collection method: clinical testing. Allele origin: germline.
Comment: The p.S538I variant (also known as c.1613G>T), located in coding exon 9 of the BRCA2 gene, results from a G to T substitution at nucleotide position 1613. The serine at codon 538 is replaced by isoleucine, an amino acid with dissimilar properties. This amino acid position is not well conserved in available vertebrate species. In addition, this alteration is predicted to be tolerated by in silico analysis. Based on the available evidence, the clinical significance of this variant remains unclear.

Labcorp Genetics (formerly Invitae), Labcorp
Classification: Uncertain significance for Hereditary breast ovarian cancer syndrome. Last evaluated: 2023-11-13. Review status: criteria provided, single submitter. Criteria: Invitae Variant Classification Sherloc (09022015). Collection method: clinical testing. Allele origin: germline.
Comment: This sequence change replaces serine, which is neutral and polar, with isoleucine, which is neutral and non-polar, at codon 538 of the BRCA2 protein (p.Ser538Ile). This variant is present in population databases (no rsID available, gnomAD 0.007%). This variant has not been reported in the literature in individuals affected with BRCA2-related conditions. Advanced modeling of protein sequence and biophysical properties (such as structural, functional, and spatial information, amino acid conservation, physicochemical variation, residue mobility, and thermodynamic stability) performed at Invitae indicates that this missense variant is not expected to disrupt BRCA2 protein function with a negative predictive value of 95%. In summary, the available evidence is currently insufficient to determine the role of this variant in disease. Therefore, it has been classified as a Variant of Uncertain Significance.